The following is an entry in ClinVar:

ClinVar aggregate classification (germline): Uncertain significance (1 of 4 stars; one submission).

Allele frequency attached by ClinVar (database versions not stated): ExAC 0.00008; gnomAD 0.00010 and 0.00011; TOPMed 0.00010; ESP Exome Variant Server 0.00023; 1000 Genomes Project 0.00060; 1000 Genomes Project 30x 0.00062.

Submission:

Labcorp Genetics (formerly Invitae), Labcorp
Classification: Uncertain significance. Last evaluated: 2025-10-29. Review status: criteria provided, single submitter. Criteria: Invitae Variant Classification Sherloc (09022015). Collection method: clinical testing. Allele origin: germline.
Comment: This sequence change replaces arginine, which is basic and polar, with glutamine, which is neutral and polar, at codon 112 of the GUF1 protein (p.Arg112Gln). This variant is present in population databases (rs150899257, gnomAD 0.05%). This variant has not been reported in the literature in individuals affected with GUF1-related conditions. ClinVar contains an entry for this variant (Variation ID: 1492010). Invitae Evidence Modeling of protein sequence and biophysical properties (such as structural, functional, and spatial information, amino acid conservation, physicochemical variation, residue mobility, and thermodynamic stability) indicates that this missense variant is not expected to disrupt GUF1 protein function with a negative predictive value of 80%. In summary, the available evidence is currently insufficient to determine the role of this variant in disease. Therefore, it has been classified as a Variant of Uncertain Significance.

NM_021927.3(GUF1):c.335G>A (p.Arg112Gln)

Gene: GUF1 (GTP binding elongation factor GUF1; plus strand). Cytogenetic location: 4p12.
Variant type: single nucleotide variant.
Coding change: c.335G>A on transcript NM_021927.3 (MANE Select); coding-DNA position 335, G replaced by A.
Protein change: p.Arg112Gln; replaces arginine 112 with glutamine.
Molecular consequence: missense variant. On other transcripts: 5 prime UTR variant (2).
Genome position (GRCh38, 1-based): chr4:44,680,751, G>A. VCF-style: chr4-44680751-G-A. GRCh37 (hg19) VCF-style: chr4-44682768-G-A.
Other names: c.-634G>A (NM_001345867.2); c.335G>A, p.Arg112Gln (NM_001345868.2); c.-638G>A (NM_001345869.2); short protein forms R112Q.
Identifiers: ClinVar variation 1492010 (VCV001492010.8), dbSNP rs150899257, ClinGen allele CA2905260.